The following is an entry in ClinVar:

ClinVar aggregate classification (germline): Uncertain significance. Review status: criteria provided, multiple submitters, no conflicts (2 of 4 stars). 2 submissions from 2 submitters: Uncertain significance (2). Last evaluated 2023-10-13.

Conditions:
Fanconi anemia complementation group E (FANCE). Also called: FANCE-Related Fanconi Anemia. Identifiers: Orphanet 84, MedGen C3160739, MONDO:0010953, OMIM 600901.

Allele frequency attached by ClinVar (database versions not stated): gnomAD 0.00001; gnomAD exomes 0.00001; ExAC 0.00002.

Submissions (2):

Labcorp Genetics (formerly Invitae), Labcorp
Classification: Uncertain significance for Fanconi anemia complementation group E. Last evaluated: 2023-10-13. Review status: criteria provided, single submitter. Criteria: Invitae Variant Classification Sherloc (09022015). Collection method: clinical testing. Allele origin: germline.
Comment: This sequence change replaces cysteine, which is neutral and slightly polar, with glycine, which is neutral and non-polar, at codon 399 of the FANCE protein (p.Cys399Gly). This variant is present in population databases (rs765529209, gnomAD 0.02%). This variant has not been reported in the literature in individuals affected with FANCE-related conditions. ClinVar contains an entry for this variant (Variation ID: 2038869). Advanced modeling of protein sequence and biophysical properties (such as structural, functional, and spatial information, amino acid conservation, physicochemical variation, residue mobility, and thermodynamic stability) performed at Invitae indicates that this missense variant is expected to disrupt FANCE protein function. In summary, the available evidence is currently insufficient to determine the role of this variant in disease. Therefore, it has been classified as a Variant of Uncertain Significance.

GeneDx
Classification: Uncertain significance. Last evaluated: 2022-07-01. Review status: criteria provided, single submitter. Criteria: GeneDx Variant Classification Process June 2021. Collection method: clinical testing. Allele origin: germline. Affected: yes.
Comment: In silico analysis supports that this missense variant has a deleterious effect on protein structure/function; Has not been previously published as pathogenic or benign to our knowledge

NM_021922.3(FANCE):c.1195T>G (p.Cys399Gly)

Gene: FANCE (FA complementation group E; plus strand). Cytogenetic location: 6p21.31.
Variant type: single nucleotide variant.
Coding change: c.1195T>G on transcript NM_021922.3 (MANE Select); coding-DNA position 1195, T replaced by G.
Protein change: p.Cys399Gly; replaces cysteine 399 with glycine.
Molecular consequence: missense variant.
Genome position (GRCh38, 1-based): chr6:35,459,412, T>G. VCF-style: chr6-35459412-T-G. GRCh37 (hg19) VCF-style: chr6-35427189-T-G.
Other names: c.1195T>G, p.Cys399Gly (NM_001410876.1); short protein forms C399G.
Identifiers: ClinVar variation 2038869 (VCV002038869.4), dbSNP rs765529209, ClinGen allele CA3771624.